The following is an entry in ClinVar:

ClinVar aggregate classification (germline): Uncertain significance (1 of 4 stars; one submission).

Submission:

Labcorp Genetics (formerly Invitae), Labcorp
Classification: Uncertain significance. Last evaluated: 2024-10-26. Review status: criteria provided, single submitter. Criteria: Invitae Variant Classification Sherloc (09022015). Collection method: clinical testing. Allele origin: germline.
Comment: This sequence change falls in intron 2 of the CWC27 gene. It does not directly change the encoded amino acid sequence of the CWC27 protein. It affects a nucleotide within the consensus splice site. This variant is present in population databases (rs762917044, gnomAD 0.02%). This variant has not been reported in the literature in individuals affected with CWC27-related conditions. ClinVar contains an entry for this variant (Variation ID: 1513461). Variants that disrupt the consensus splice site are a relatively common cause of aberrant splicing (PMID: 17576681, 9536098). Algorithms developed to predict the effect of sequence changes on RNA splicing suggest that this variant is not likely to affect RNA splicing. In summary, the available evidence is currently insufficient to determine the role of this variant in disease. Therefore, it has been classified as a Variant of Uncertain Significance.

Literature cited by the submitters: PubMed 17576681; PubMed 9536098.

NM_005869.4(CWC27):c.139+3_139+4insAATTATGA

Gene: CWC27 (CWC27 spliceosome associated cyclophilin; plus strand). Cytogenetic location: 5q12.3.
Variant type: Insertion.
Coding change: c.139+3_139+4insAATTATGA on transcript NM_005869.4 (MANE Select); bases 3 to 4 of the intron after coding-DNA position 139, AATTATGA inserted.
Molecular consequence: intron variant.
Genome position: GRCh38 VCF-style: chr5-64774789-T-TAAATTATG. GRCh37 (hg19) VCF-style: chr5-64070616-T-TAAATTATG.
Other names: c.139+3_139+4insAATTATGA (NM_001297644.1, NM_001364478.1, NM_001318000.2 and 1 more transcripts).
Identifiers: ClinVar variation 1513461 (VCV001513461.6), dbSNP rs762917044, ClinGen allele CA3281836.